The following is an entry in ClinVar:

ClinVar aggregate classification (germline): Uncertain significance (0 of 4 stars; one submission).

Conditions:
SP8-related disorder. Also called: SP8-related condition.

Submission:

PreventionGenetics, part of Exact Sciences
Classification: Uncertain significance for SP8-related condition. Last evaluated: 2024-07-29. Review status: no assertion criteria provided. Collection method: clinical testing. Allele origin: germline.
Comment: The SP8 c.139G>T variant is predicted to result in the amino acid substitution p.Gly47Cys. To our knowledge, this variant has not been reported in the literature or in a large population database, indicating this variant is rare. At this time, the clinical significance of this variant is uncertain due to the absence of conclusive functional and genetic evidence.

NM_182700.6(SP8):c.139G>T (p.Gly47Cys)

Gene: SP8 (Sp8 transcription factor; minus strand). Cytogenetic location: 7p21.1.
Variant type: single nucleotide variant.
Coding change: c.139G>T on transcript NM_182700.6 (MANE Select); coding-DNA position 139, G replaced by T.
Protein change: p.Gly47Cys; replaces glycine 47 with cysteine.
Molecular consequence: missense variant.
Genome position (GRCh38, 1-based): chr7:20,785,678, C>A on the plus strand (G>T on the coding strand, the complement: SP8 is on the minus strand). VCF-style: chr7-20785678-C-A. GRCh37 (hg19) VCF-style: chr7-20825297-C-A.
Other names: c.85G>T, p.Gly29Cys (NM_198956.4); short protein forms G29C, G47C.
Identifiers: ClinVar variation 3345516 (VCV003345516.1).